The following is an entry in ClinVar:

ClinVar aggregate classification (germline): Uncertain significance (1 of 4 stars; one submission).

Submission:

Ambry Genetics
Classification: Uncertain significance. Last evaluated: 2024-09-08. Review status: criteria provided, single submitter. Criteria: Ambry Variant Classification Scheme 2023. Collection method: clinical testing. Allele origin: germline.
Comment: The p.K844N variant (also known as c.2532G>T), located in coding exon 16 of the POLQ gene, results from a G to T substitution at nucleotide position 2532. The lysine at codon 844 is replaced by asparagine, an amino acid with similar properties. This amino acid position is conserved. In addition, this alteration is predicted to be tolerated by in silico analysis. Based on the available evidence, the clinical significance of this variant remains unclear.

NM_199420.4(POLQ):c.2532G>T (p.Lys844Asn)

Gene: POLQ (DNA polymerase theta; minus strand). Cytogenetic location: 3q13.33.
Variant type: single nucleotide variant.
Coding change: c.2532G>T on transcript NM_199420.4 (MANE Select); coding-DNA position 2532, G replaced by T.
Protein change: p.Lys844Asn; replaces lysine 844 with asparagine.
Molecular consequence: missense variant.
Genome position (GRCh38, 1-based): chr3:121,490,399, C>A on the plus strand (G>T on the coding strand, the complement: POLQ is on the minus strand). VCF-style: chr3-121490399-C-A. GRCh37 (hg19) VCF-style: chr3-121209246-C-A.
Other names: short protein forms K844N.
Identifiers: ClinVar variation 3422538 (VCV003422538.1).